The following is an entry in ClinVar:

NM_003072.5(SMARCA4):c.2263A>G (p.Lys755Glu)

Gene: SMARCA4 (SWI/SNF related BAF chromatin remodeling complex subunit ATPase 4; plus strand). Cytogenetic location: 19p13.2.
Variant type: single nucleotide variant.
Coding change: c.2263A>G on transcript NM_003072.5 (MANE Select); coding-DNA position 2263, A replaced by G.
Protein change: p.Lys755Glu; replaces lysine 755 with glutamic acid.
Molecular consequence: missense variant. On other transcripts: non-coding transcript variant (1).
Genome position (GRCh38, 1-based): chr19:11,010,520, A>G. VCF-style: chr19-11010520-A-G. GRCh37 (hg19) VCF-style: chr19-11121196-A-G.
Other names: c.2263A>G, p.Lys755Glu (NM_001128844.3, NM_001128845.2, NM_001128846.2 and 5 more transcripts); short protein forms K755E.
Identifiers: ClinVar variation 1068028 (VCV001068028.9), dbSNP rs2146238910, ClinGen allele CA404052955.

ClinVar aggregate classification (germline): Likely pathogenic (1 of 4 stars; one submission).

Conditions:
Rhabdoid tumor predisposition syndrome 2 (RTPS2). Identifiers: Orphanet 231108, Orphanet 69077, MedGen C2750074, MONDO:0013224, OMIM 613325.

Submission:

Labcorp Genetics (formerly Invitae), Labcorp
Classification: Likely pathogenic for Rhabdoid tumor predisposition syndrome 2. Last evaluated: 2020-03-25. Review status: criteria provided, single submitter. Criteria: Invitae Variant Classification Sherloc (09022015). Collection method: clinical testing. Allele origin: germline.
Comment: This variant is not present in population databases (ExAC no frequency). This sequence change replaces lysine with glutamic acid at codon 755 of the SMARCA4 protein (p.Lys755Glu). The lysine residue is highly conserved and there is a small physicochemical difference between lysine and glutamic acid. In summary, the currently available evidence indicates that the variant is pathogenic, but additional data are needed to prove that conclusively. Therefore, this variant has been classified as Likely Pathogenic. Algorithms developed to predict the effect of missense changes on protein structure and function are either unavailable or do not agree on the potential impact of this missense change (SIFT: "Deleterious"; PolyPhen-2: "Probably Damaging"; Align-GVGD: "Class C0"). This variant has been observed in individual(s) with clinical features of Coffin-Siris syndrome (Invitae). In at least one individual the variant was observed to be de novo.